The following is an entry in ClinVar:

NM_002516.4(NOVA2):c.153C>T (p.Gly51=)

Gene: NOVA2 (NOVA alternative splicing regulator 2; minus strand). Cytogenetic location: 19q13.32.
Variant type: single nucleotide variant.
Coding change: c.153C>T on transcript NM_002516.4 (MANE Select); coding-DNA position 153, C replaced by T.
Protein change: p.Gly51=; no amino-acid change (glycine 51 retained).
Molecular consequence: synonymous variant.
Genome position (GRCh38, 1-based): chr19:45,961,086, G>A on the plus strand (C>T on the coding strand, the complement: NOVA2 is on the minus strand). VCF-style: chr19-45961086-G-A. GRCh37 (hg19) VCF-style: chr19-46464344-G-A.
Identifiers: ClinVar variation 4990135 (VCV004990135.1).

ClinVar aggregate classification (germline): Likely benign (1 of 4 stars; one submission).

Conditions:
NOVA2-related disorder. Also called: NOVA2-related condition.

Submission:

PreventionGenetics, part of Exact Sciences
Classification: Likely benign for NOVA2-related condition. Last evaluated: 2026-07-09. Review status: criteria provided, single submitter. Criteria: ACMG Guidelines, 2015. Collection method: clinical testing. Allele origin: germline.
Comment: This variant is classified as likely benign based on ACMG/AMP sequence variant interpretation guidelines (Richards et al. 2015 PMID: 25741868, with internal and published modifications).